The following is an entry in ClinVar:

ClinVar aggregate classification (germline): Uncertain significance (1 of 4 stars; one submission).

Conditions:
Autosomal dominant nonsyndromic hearing loss 56. Also called: Deafness, autosomal dominant 56. Identifiers: Orphanet 90635, MedGen C3810170, MONDO:0014283, OMIM 615629.

gnomAD v4.1: 2 of 1,614,164 alleles (0.00012%); highest among the groups gnomAD compares: South Asian, 0.0022%; no homozygotes.

Submission:

Neuberg Centre For Genomic Medicine, NCGM
Classification: Uncertain significance for Autosomal dominant nonsyndromic hearing loss 56. Last evaluated: 2023-05-20. Review status: criteria provided, single submitter. Criteria: ACMG Guidelines, 2015. Collection method: clinical testing. Allele origin: germline. Inheritance: Autosomal dominant inheritance. Affected: yes.
Comment: The observed missense variant c.848T>C (p.Leu283Pro) in the TNC gene has not been reported previously as a pathogenic variant nor as a benign variant, to our knowledge. This variant is reported with the allele frequency 0.0004% in the gnomAD Exomes. The amino acid Leucine at position 283 is changed to a Proline changing protein sequence and it might alter its composition and physico-chemical properties. Multiple lines of computational evidence (Polyphen - Possibly Damaging, SIFT - Damaging and MutationTaster - Disease causing) predict a damaging effect on protein structure and function for this variant. The reference residue is conserved by GERP++ and PhyloP across 100 vertebrates. For these reasons, this variant has been classified as Uncertain Significance.

NM_002160.4(TNC):c.848T>C (p.Leu283Pro)

Gene: TNC (tenascin C; minus strand). Cytogenetic location: 9q33.1.
Variant type: single nucleotide variant.
Coding change: c.848T>C on transcript NM_002160.4 (MANE Select); coding-DNA position 848, T replaced by C.
Protein change: p.Leu283Pro; replaces leucine 283 with proline.
Molecular consequence: missense variant.
Genome position (GRCh38, 1-based): chr9:115,086,883, A>G on the plus strand (T>C on the coding strand, the complement: TNC is on the minus strand). VCF-style: chr9-115086883-A-G. GRCh37 (hg19) VCF-style: chr9-117849162-A-G.
Other names: c.848T>C, p.Leu283Pro (NM_001410991.1); short protein forms L283P.
Identifiers: ClinVar variation 3367120 (VCV003367120.1).